The following is an entry in ClinVar:

NM_015450.3(POT1):c.1797A>G (p.Ala599=)

Gene: POT1 (protection of telomeres 1; minus strand). Cytogenetic location: 7q31.33.
Variant type: single nucleotide variant.
Coding change: c.1797A>G on transcript NM_015450.3 (MANE Select); coding-DNA position 1797, A replaced by G.
Protein change: p.Ala599=; no amino-acid change (alanine 599 retained).
Molecular consequence: synonymous variant. On other transcripts: non-coding transcript variant (3).
Genome position (GRCh38, 1-based): chr7:124,824,070, T>C on the plus strand (A>G on the coding strand, the complement: POT1 is on the minus strand). VCF-style: chr7-124824070-T-C. GRCh37 (hg19) VCF-style: chr7-124464124-T-C.
Other names: p.Ala599=; c.1404A>G, p.Ala468= (NM_001042594.2).
Identifiers: ClinVar variation 475061 (VCV000475061.38), dbSNP rs752430203, ClinGen allele CA4464965.

ClinVar aggregate classification (germline): Likely benign. Review status: criteria provided, multiple submitters, no conflicts (2 of 4 stars). 8 submissions from 8 submitters: Likely benign (8). Last evaluated 2026-04-02.

Conditions:
Tumor predisposition syndrome 3 (TPDS3). Also called: Glioma susceptibility 9; Melanoma, cutaneous malignant, susceptibility to, 10; LONG TELOMERE SYNDROME, POT1-RELATED; POT1 Tumor Predisposition. Identifiers: Orphanet 618, MedGen C4014476, MONDO:0014368, OMIM 615848.
POT1-related disorder. Also called: POT1-related condition.
Hereditary cancer-predisposing syndrome. Also called: Hereditary neoplastic syndrome; Tumor predisposition; Neoplastic Syndromes, Hereditary; Hereditary Cancer Syndrome. Identifiers: Orphanet 140162, MedGen C0027672, MeSH D009386, MONDO:0015356.

Allele frequency attached by ClinVar (database versions not stated): gnomAD exomes 0.00001 and 0.00003; ExAC 0.00002; gnomAD 0.00003; TOPMed 0.00005.
gnomAD v4.1: 41 of 1,580,016 alleles (0.0026%); highest among the groups gnomAD compares: Non-Finnish European, 0.0033%; no homozygotes.

Submissions (8):

PreventionGenetics, part of Exact Sciences
Classification: Likely benign for POT1-related condition. Last evaluated: 2026-04-02. Review status: criteria provided, single submitter. Criteria: ACMG Guidelines, 2015. Collection method: clinical testing. Allele origin: germline.
Comment: This variant is classified as likely benign based on ACMG/AMP sequence variant interpretation guidelines (Richards et al. 2015 PMID: 25741868, with internal and published modifications).

Labcorp Genetics (formerly Invitae), Labcorp
Classification: Likely benign for Tumor predisposition syndrome 3. Last evaluated: 2026-01-07. Review status: criteria provided, single submitter. Criteria: Invitae Variant Classification Sherloc (09022015). Collection method: clinical testing. Allele origin: germline.

Mayo Clinic Laboratories, Mayo Clinic
Classification: Likely benign. Last evaluated: 2025-06-24. Review status: criteria provided, single submitter. Criteria: ACMG Guidelines, 2015. Collection method: clinical testing. Allele origin: germline. Observed: 1 variant allele.
Comment: BP4, BP7

CeGaT Center for Human Genetics Tuebingen
Classification: Likely benign. Last evaluated: 2024-08-01. Review status: criteria provided, single submitter. Criteria: CeGaT Center For Human Genetics Tuebingen Variant Classification Criteria Version 2. Collection method: clinical testing. Allele origin: germline. Affected: yes. Observed: 1 variant allele.
Comment: POT1: BP4, BP7

Blueprint Genetics
Classification: Likely benign. Last evaluated: 2024-03-22. Review status: criteria provided, single submitter. Criteria: ACMG Guidelines, 2015. Collection method: clinical testing. Allele origin: germline.

Sema4
Classification: Likely benign for Hereditary cancer-predisposing syndrome. Last evaluated: 2021-09-16. Review status: criteria provided, single submitter. Criteria: Sema4 Curation Guidelines. Collection method: curation. Allele origin: germline.

GeneDx
Classification: Likely benign. Last evaluated: 2019-12-17. Review status: criteria provided, single submitter. Criteria: GeneDx Variant Classification Process June 2021. Collection method: clinical testing. Allele origin: germline. Affected: yes.

Ambry Genetics
Classification: Likely benign for Hereditary cancer-predisposing syndrome. Last evaluated: 2018-04-16. Review status: criteria provided, single submitter. Criteria: Ambry Variant Classification Scheme 2023. Collection method: clinical testing. Allele origin: germline.